The following is an entry in ClinVar:

NM_004304.5(ALK):c.2920G>C (p.Glu974Gln)

Gene: ALK (ALK receptor tyrosine kinase; minus strand). Cytogenetic location: 2p23.2.
Variant type: single nucleotide variant.
Coding change: c.2920G>C on transcript NM_004304.5 (MANE Select); coding-DNA position 2920, G replaced by C.
Protein change: p.Glu974Gln; replaces glutamic acid 974 with glutamine.
Molecular consequence: missense variant.
Genome position (GRCh38, 1-based): chr2:29,227,069, C>G on the plus strand (G>C on the coding strand, the complement: ALK is on the minus strand). VCF-style: chr2-29227069-C-G. GRCh37 (hg19) VCF-style: chr2-29449935-C-G.
Other names: short protein forms E974Q.
Identifiers: ClinVar variation 4869902 (VCV004869902.1).

ClinVar aggregate classification (germline): Uncertain significance (1 of 4 stars; one submission).

Conditions:
Hereditary cancer-predisposing syndrome. Also called: Neoplastic Syndromes, Hereditary; Tumor predisposition; Hereditary Cancer Syndrome; Hereditary neoplastic syndrome. Identifiers: Orphanet 140162, MedGen C0027672, MeSH D009386, MONDO:0015356.

Submission:

Ambry Genetics
Classification: Uncertain significance for Hereditary cancer-predisposing syndrome. Last evaluated: 2026-03-27. Review status: criteria provided, single submitter. Criteria: Ambry Variant Classification Scheme 2023. Collection method: clinical testing. Allele origin: germline.
Comment: The p.E974Q variant (also known as c.2920G>C), located in coding exon 18 of the ALK gene, results from a G to C substitution at nucleotide position 2920. The glutamic acid at codon 974 is replaced by glutamine, an amino acid with highly similar properties. This amino acid position is highly conserved in available vertebrate species. In addition, the in silico prediction for this alteration is inconclusive. Based on the available evidence, the clinical significance of this variant remains unclear.